The following is an entry in ClinVar:

NM_006949.4(STXBP2):c.609C>T (p.His203=)

Gene: STXBP2 (syntaxin binding protein 2; plus strand). Cytogenetic location: 19p13.2.
Variant type: single nucleotide variant.
Coding change: c.609C>T on transcript NM_006949.4 (MANE Select); coding-DNA position 609, C replaced by T.
Protein change: p.His203=; no amino-acid change (histidine 203 retained).
Molecular consequence: synonymous variant. On other transcripts: non-coding transcript variant (1).
Genome position (GRCh38, 1-based): chr19:7,642,064, C>T. VCF-style: chr19-7642064-C-T. GRCh37 (hg19) VCF-style: chr19-7706950-C-T.
Other names: p.His203=; c.600C>T, p.His200= (NM_001127396.3); c.642C>T, p.His214= (NM_001272034.2).
Identifiers: ClinVar variation 260107 (VCV000260107.31), dbSNP rs113694233, ClinGen allele CA9143728.

ClinVar aggregate classification (germline): Benign/Likely benign. Review status: criteria provided, multiple submitters, no conflicts (2 of 4 stars). 5 submissions from 5 submitters: Benign (3); Likely benign (2). Last evaluated 2026-01-25.

Conditions:
Autoinflammatory syndrome. Identifiers: Orphanet 93665, MedGen C3890737, MONDO:0019751.
Familial hemophagocytic lymphohistiocytosis 5. Also called: STXBP2-Related Familial Hemophagocytic Lymphohistiocytosis (STXBP2-fHLH). Identifiers: Orphanet 540, MedGen C2751293, MONDO:0013135, OMIM 613101.

Allele frequency attached by ClinVar (database versions not stated): gnomAD exomes 0.00093 and 0.00044; ExAC 0.00109; ESP Exome Variant Server 0.00269; gnomAD 0.00352 and 0.00367; TOPMed 0.00368; 1000 Genomes Project 30x 0.00453; 1000 Genomes Project 0.00519.

Submissions (5):

Labcorp Genetics (formerly Invitae), Labcorp
Classification: Benign for Familial hemophagocytic lymphohistiocytosis 5. Last evaluated: 2026-01-25. Review status: criteria provided, single submitter. Criteria: Invitae Variant Classification Sherloc (09022015). Collection method: clinical testing. Allele origin: germline.

CeGaT Center for Human Genetics Tuebingen
Classification: Benign. Last evaluated: 2025-08-01. Review status: criteria provided, single submitter. Criteria: CeGaT Center For Human Genetics Tuebingen Variant Classification Criteria Version 2. Collection method: clinical testing. Allele origin: germline. Affected: yes. Observed: 2 variant alleles.
Comment: STXBP2: BP4, BP7, BS1, BS2

Mayo Clinic Laboratories, Mayo Clinic
Classification: Benign. Last evaluated: 2025-01-16. Review status: criteria provided, single submitter. Criteria: ACMG Guidelines, 2015. Collection method: clinical testing. Allele origin: germline. Observed: 4 variant alleles.
Comment: BS1, BS2, BP4, BP7

Genome Diagnostics Laboratory, The Hospital for Sick Children
Classification: Likely benign for Autoinflammatory syndrome. Last evaluated: 2019-01-01. Review status: criteria provided, single submitter. Criteria: ACMG Guidelines, 2015. Collection method: clinical testing. Allele origin: germline. Affected: yes.

PreventionGenetics, part of Exact Sciences
Classification: Likely benign. Review status: criteria provided, single submitter. Criteria: ACMG Guidelines, 2015. Collection method: clinical testing. Allele origin: germline.

Literature cited by the submitters: PubMed 20798128 (cited by Mayo Clinic Laboratories, Mayo Clinic).